The following is an entry in ClinVar:

ClinVar aggregate classification (germline): Uncertain significance (1 of 4 stars; one submission).

Submission:

Labcorp Genetics (formerly Invitae), Labcorp
Classification: Uncertain significance. Last evaluated: 2022-04-04. Review status: criteria provided, single submitter. Criteria: Invitae Variant Classification Sherloc (09022015). Collection method: clinical testing. Allele origin: germline.
Comment: In summary, the available evidence is currently insufficient to determine the role of this variant in disease. Therefore, it has been classified as a Variant of Uncertain Significance. This variant has not been reported in the literature in individuals affected with WNT3-related conditions. This variant is not present in population databases (gnomAD no frequency). This variant, c.522_542dup, results in the insertion of 7 amino acid(s) of the WNT3 protein (p.Glu177_Arg183dup), but otherwise preserves the integrity of the reading frame.

NM_030753.5(WNT3):c.522_542dup (p.Arg183_Ser184insGluAsnArgProAspAlaArg)

Genes: LRRC37A2 (leucine rich repeat containing 37 member A2), WNT3 (Wnt family member 3; minus strand). Cytogenetic location: 17q21.31.
Variant type: Duplication.
Coding change: c.522_542dup on transcript NM_030753.5 (MANE Select); coding-DNA positions 522 to 542, 21 bases duplicated (TGCGCGCGAGAACAGGCCGGA).
Protein change: p.Arg183_Ser184insGluAsnArgProAspAlaArg.
Molecular consequence: inframe insertion.
Genome position (GRCh38, 1-based): chr17:46,769,829-46,769,849, TCCGGCCTGTTCTCGCGCGCA duplicated on the plus strand (TGCGCGCGAGAACAGGCCGGA on the coding strand, the reverse complement: WNT3 is on the minus strand); duplicating any 21 consecutive bases within chr17:46,769,829-46,769,853 gives the same sequence; the c. name uses the placement nearest the transcript's 3' end. VCF-style (leftmost placement, unchanged base first): chr17-46769828-G-GTCCGGCCTGTTCTCGCGCGCA. GRCh37 (hg19) VCF-style: chr17-44847194-G-GTCCGGCCTGTTCTCGCGCGCA.
Identifiers: ClinVar variation 1976867 (VCV001976867.5), dbSNP rs2545983822, ClinGen allele CA2580094025.